The following is an entry in ClinVar:

NM_002017.5(FLI1):c.812G>A (p.Ser271Asn)

Gene: FLI1 (Fli-1 proto-oncogene, ETS transcription factor; plus strand). Cytogenetic location: 11q24.3.
Variant type: single nucleotide variant.
Coding change: c.812G>A on transcript NM_002017.5 (MANE Select); coding-DNA position 812, G replaced by A.
Protein change: p.Ser271Asn; replaces serine 271 with asparagine.
Molecular consequence: missense variant.
Genome position (GRCh38, 1-based): chr11:128,809,187, G>A. VCF-style: chr11-128809187-G-A. GRCh37 (hg19) VCF-style: chr11-128679082-G-A.
Other names: c.713G>A, p.Ser238Asn (NM_001167681.3); c.614G>A, p.Ser205Asn (NM_001271010.2); c.233G>A, p.Ser78Asn (NM_001271012.2); short protein forms S205N, S238N, S271N, S78N.
Identifiers: ClinVar variation 1684353 (VCV001684353.1), dbSNP rs2135922425, ClinGen allele CA383237712.

ClinVar aggregate classification (germline): Uncertain significance (0 of 4 stars; one submission).

Conditions:
Bleeding disorder, platelet-type, 21 (BDPLT21). Identifiers: MedGen C4479515, MONDO:0054577, OMIM 617443.

Submission:

ISTH-SSC Genomics in Thrombosis and Hemostasis, KU Leuven, Center for Molecular and Vascular Biology
Classification: Uncertain significance for Bleeding disorder, platelet-type, 21. Review status: no assertion criteria provided. Collection method: research. Allele origin: unknown. Affected: yes.
Comment: Submitted to GoldVariant by Neil Morgan from Birmingham Platelet Group, Birmingham, UK